The following is an entry in ClinVar:

ClinVar aggregate classification (germline): Likely benign (1 of 4 stars; one submission).

Submission:

CeGaT Center for Human Genetics Tuebingen
Classification: Likely benign. Last evaluated: 2025-03-01. Review status: criteria provided, single submitter. Criteria: CeGaT Center For Human Genetics Tuebingen Variant Classification Criteria Version 2. Collection method: clinical testing. Allele origin: germline. Affected: yes. Observed: 1 variant allele.
Comment: DNHD1: PM2:Supporting, BP4, BP7

NM_144666.3(DNHD1):c.10731T>C (p.Phe3577=)

Gene: DNHD1 (dynein heavy chain domain 1; plus strand). Cytogenetic location: 11p15.4.
Variant type: single nucleotide variant.
Coding change: c.10731T>C on transcript NM_144666.3 (MANE Select); coding-DNA position 10731, T replaced by C.
Protein change: p.Phe3577=; no amino-acid change (phenylalanine 3577 retained).
Molecular consequence: synonymous variant.
Genome position (GRCh38, 1-based): chr11:6,564,779, T>C. VCF-style: chr11-6564779-T-C. GRCh37 (hg19) VCF-style: chr11-6586009-T-C.
Identifiers: ClinVar variation 3778418 (VCV003778418.7).